The following is an entry in ClinVar:

ClinVar aggregate classification (germline): Uncertain significance (1 of 4 stars; one submission).

Conditions:
Hereditary pancreatitis (PCTT). Also called: Hereditary chronic pancreatitis; PRSS1-Related Hereditary Pancreatitis. Identifiers: Orphanet 676, MedGen C0238339, MONDO:0008185, OMIM 167800.

Submission:

Ambry Genetics
Classification: Uncertain significance for Hereditary pancreatitis. Last evaluated: 2026-06-02. Review status: criteria provided, single submitter. Criteria: Ambry Variant Classification Scheme 2023. Collection method: clinical testing. Allele origin: germline.
Comment: The p.L4P variant (also known as c.11T>C), located in coding exon 1 of the PRSS1 gene, results from a T to C substitution at nucleotide position 11. The leucine at codon 4 is replaced by proline, an amino acid with similar properties. This amino acid position is conserved. In addition, this alteration is predicted to be deleterious by in silico analysis. Based on the available evidence, the clinical significance of this variant remains unclear.

NM_002769.5(PRSS1):c.11T>C (p.Leu4Pro)

Genes: PRSS1 (serine protease 1; plus strand), TRB (T cell receptor beta locus; plus strand). Cytogenetic location: 7q34.
Variant type: single nucleotide variant.
Coding change: c.11T>C on transcript NM_002769.5 (MANE Select); coding-DNA position 11, T replaced by C.
Protein change: p.Leu4Pro; replaces leucine 4 with proline.
Molecular consequence: missense variant. On other transcripts: non-coding transcript variant (5).
Genome position (GRCh38, 1-based): chr7:142,749,495, T>C. VCF-style: chr7-142749495-T-C. GRCh37 (hg19) VCF-style: chr7-142457346-T-C.
Other names: short protein forms L4P.
Identifiers: ClinVar variation 4862596 (VCV004862596.1).